The following is an entry in ClinVar:

NM_001145358.2(SIN3A):c.759C>G (p.Pro253=)

Gene: SIN3A (SIN3 transcription regulator family member A; minus strand). Cytogenetic location: 15q24.2.
Variant type: single nucleotide variant.
Coding change: c.759C>G on transcript NM_001145358.2 (MANE Select); coding-DNA position 759, C replaced by G.
Protein change: p.Pro253=; no amino-acid change (proline 253 retained).
Molecular consequence: synonymous variant.
Genome position (GRCh38, 1-based): chr15:75,411,741, G>C on the plus strand (C>G on the coding strand, the complement: SIN3A is on the minus strand). VCF-style: chr15-75411741-G-C. GRCh37 (hg19) VCF-style: chr15-75704082-G-C.
Other names: c.759C>G, p.Pro253= (NM_001145357.2, NM_015477.3).
Identifiers: ClinVar variation 2173745 (VCV002173745.5), dbSNP rs563259665, ClinGen allele CA7667819.

ClinVar aggregate classification (germline): Likely benign. Review status: criteria provided, multiple submitters, no conflicts (2 of 4 stars). 2 submissions from 2 submitters: Likely benign (2). Last evaluated 2026-09-01.

Allele frequency attached by ClinVar (database versions not stated): gnomAD 0.00003; ExAC 0.00008; 1000 Genomes Project 0.00020; 1000 Genomes Project 30x 0.00031.
gnomAD v4.1: 49 of 1,580,766 alleles (0.0031%); highest among the groups gnomAD compares: South Asian, 0.044%; no homozygotes.

Submissions (2):

CeGaT Center for Human Genetics Tuebingen
Classification: Likely benign. Last evaluated: 2026-09-01. Review status: criteria provided, single submitter. Criteria: CeGaT Center For Human Genetics Tuebingen Variant Classification Criteria Version 2. Collection method: clinical testing. Allele origin: germline. Affected: yes. Observed: 1 variant allele.
Comment: SIN3A: BP4, BP7

Labcorp Genetics (formerly Invitae), Labcorp
Classification: Likely benign. Last evaluated: 2024-11-12. Review status: criteria provided, single submitter. Criteria: Invitae Variant Classification Sherloc (09022015). Collection method: clinical testing. Allele origin: germline.